The following is an entry in ClinVar:

NM_022095.4(ZNF335):c.1579G>A (p.Glu527Lys)

Gene: ZNF335 (zinc finger protein 335; minus strand). Cytogenetic location: 20q13.12.
Variant type: single nucleotide variant.
Coding change: c.1579G>A on transcript NM_022095.4 (MANE Select); coding-DNA position 1579, G replaced by A.
Protein change: p.Glu527Lys; replaces glutamic acid 527 with lysine.
Molecular consequence: missense variant.
Genome position (GRCh38, 1-based): chr20:45,962,137, C>T on the plus strand (G>A on the coding strand, the complement: ZNF335 is on the minus strand). VCF-style: chr20-45962137-C-T. GRCh37 (hg19) VCF-style: chr20-44590776-C-T.
Other names: c.1579G>A (NM_022095.3); short protein forms E527K.
Identifiers: ClinVar variation 2044973 (VCV002044973.5), dbSNP rs749530075, ClinGen allele CA9885685.

ClinVar aggregate classification (germline): Uncertain significance. Review status: criteria provided, multiple submitters, no conflicts (2 of 4 stars). 2 submissions from 2 submitters: Uncertain significance (2). Last evaluated 2025-01-17.

Allele frequency attached by ClinVar (database versions not stated): gnomAD 0.00001; gnomAD exomes 0.00001; TOPMed 0.00002; ExAC 0.00002.
gnomAD v4.1: 24 of 1,613,832 alleles (0.0015%); highest among the groups gnomAD compares: Non-Finnish European, 0.0019%; no homozygotes.

Submissions (2):

GeneDx
Classification: Uncertain significance. Last evaluated: 2025-01-17. Review status: criteria provided, single submitter. Criteria: GeneDx Variant Classification Process June 2021. Collection method: clinical testing. Allele origin: germline. Affected: yes.
Comment: Not observed at significant frequency in large population cohorts (gnomAD); In silico analysis indicates that this missense variant does not alter protein structure/function; Has not been previously published as pathogenic or benign to our knowledge

Labcorp Genetics (formerly Invitae), Labcorp
Classification: Uncertain significance. Last evaluated: 2022-07-16. Review status: criteria provided, single submitter. Criteria: Invitae Variant Classification Sherloc (09022015). Collection method: clinical testing. Allele origin: germline.
Comment: This sequence change replaces glutamic acid, which is acidic and polar, with lysine, which is basic and polar, at codon 527 of the ZNF335 protein (p.Glu527Lys). This variant is present in population databases (rs749530075, gnomAD 0.003%). This variant has not been reported in the literature in individuals affected with ZNF335-related conditions. Algorithms developed to predict the effect of missense changes on protein structure and function output the following: SIFT: "Tolerated"; PolyPhen-2: "Benign"; Align-GVGD: "Class C0". The lysine amino acid residue is found in multiple mammalian species, which suggests that this missense change does not adversely affect protein function. In summary, the available evidence is currently insufficient to determine the role of this variant in disease. Therefore, it has been classified as a Variant of Uncertain Significance.